The following is an entry in ClinVar:

ClinVar aggregate classification (germline): Likely benign (1 of 4 stars; one submission).

Allele frequency attached by ClinVar (database versions not stated): gnomAD exomes below 0.00001.
gnomAD v4.1: 2 of 1,586,904 alleles (0.00013%); highest among the groups gnomAD compares: Non-Finnish European, 0.00017%; no homozygotes.

Submission:

GeneDx
Classification: Likely benign. Last evaluated: 2017-12-20. Review status: criteria provided, single submitter. Criteria: GeneDx Variant Classification (06012015). Collection method: clinical testing. Allele origin: germline. Affected: yes.
Comment: This variant is considered likely benign or benign based on one or more of the following criteria: it is a conservative change, it occurs at a poorly conserved position in the protein, it is predicted to be benign by multiple in silico algorithms, and/or has population frequency not consistent with disease.

NM_006876.3(B4GAT1):c.195C>T (p.Thr65=)

Gene: B4GAT1 (beta-1,4-glucuronyltransferase 1; minus strand). Cytogenetic location: 11q13.2.
Variant type: single nucleotide variant.
Coding change: c.195C>T on transcript NM_006876.3 (MANE Select); coding-DNA position 195, C replaced by T.
Protein change: p.Thr65=; no amino-acid change (threonine 65 retained).
Molecular consequence: synonymous variant.
Genome position (GRCh38, 1-based): chr11:66,347,351, G>A on the plus strand (C>T on the coding strand, the complement: B4GAT1 is on the minus strand). VCF-style: chr11-66347351-G-A. GRCh37 (hg19) VCF-style: chr11-66114822-G-A.
Identifiers: ClinVar variation 513720 (VCV000513720.1), dbSNP rs1555016641, ClinGen allele CA475489360.